The following is an entry in ClinVar:

ClinVar aggregate classification (germline): Uncertain significance (1 of 4 stars; one submission).

Conditions:
DNMT3A-related disorder. Also called: DNMT3A-related disorders; DNMT3A-related condition.

gnomAD v4.1: 2 of 1,607,444 alleles (0.00012%); no homozygotes.

Submission:

PreventionGenetics, part of Exact Sciences
Classification: Uncertain significance for DNMT3A-related condition. Last evaluated: 2025-12-23. Review status: criteria provided, single submitter. Criteria: ACMG Guidelines, 2015. Collection method: clinical testing. Allele origin: germline.
Comment: The DNMT3A c.1279+5A>G variant is predicted to interfere with splicing. This variant was not predicted to impact splicing based on splicing prediction programs (SpliceAI, Jaganathan K, et al. 2019. PubMed ID: 30661751); however, the +5 position is part of the minimal donor splice region which is clinically relevant (Lord et al. 2019. PubMed ID: 30587507; Walker et al. 2023. PubMed ID: 37352859). Of note, the use of computer prediction programs is not equivalent to functional evidence. To our knowledge, this variant has not been reported in the literature or in a large population database (gnomAD), indicating this variant is rare. At this time, the clinical significance of this variant is uncertain due to the absence of conclusive functional and genetic evidence.

NM_022552.5(DNMT3A):c.1279+5A>G

Gene: DNMT3A (DNA methyltransferase 3 alpha; minus strand). Cytogenetic location: 2p23.3.
Variant type: single nucleotide variant.
Coding change: c.1279+5A>G on transcript NM_022552.5 (MANE Select); 5 bases into the intron after coding-DNA position 1279, A replaced by G.
Molecular consequence: intron variant.
Genome position (GRCh38, 1-based): chr2:25,246,615, T>C on the plus strand (A>G on the coding strand, the complement: DNMT3A is on the minus strand). VCF-style: chr2-25246615-T-C. GRCh37 (hg19) VCF-style: chr2-25469484-T-C.
Other names: c.1279+5A>G (NM_175629.2); c.712+5A>G (NM_153759.3); c.823+5A>G (NM_001320893.1); c.610+5A>G (NM_001375819.1).
Identifiers: ClinVar variation 4989850 (VCV004989850.1).
Genomic context (GRCh38, chr2:25,246,615, plus strand): 5'-TCCCAGCCCTGGTGTGGATCTGCCTGGCGGGCAGGGGTCCCAGAAAGCTGGGTGCCCTCA[T>C]TTACCTTCTGGTGGCTCCAGGCCCTTAGGGCCAGAAGGCTGGAAGCCCCCCAGGGCCCAT-3'